The following is an entry in ClinVar:

NM_001429.4(EP300):c.7225A>C (p.Ser2409Arg)

Gene: EP300 (EP300 lysine acetyltransferase; plus strand). Cytogenetic location: 22q13.2.
Variant type: single nucleotide variant.
Coding change: c.7225A>C on transcript NM_001429.4 (MANE Select); coding-DNA position 7225, A replaced by C.
Protein change: p.Ser2409Arg; replaces serine 2409 with arginine.
Molecular consequence: missense variant.
Genome position (GRCh38, 1-based): chr22:41,178,936, A>C. VCF-style: chr22-41178936-A-C. GRCh37 (hg19) VCF-style: chr22-41574940-A-C.
Other names: c.7147A>C, p.Ser2383Arg (NM_001362843.2); short protein forms S2383R, S2409R.
Identifiers: ClinVar variation 1342527 (VCV001342527.3), dbSNP rs748325077, ClinGen allele CA411684781.
Genomic context (GRCh38, chr22:41,178,936, plus strand): 5'-AGCGCCACGGACCTGGGACTCAGCACCGATAACTCAGACTTGAATTCAAACCTCTCACAG[A>C]GTACACTAGACATACACTAGAGACACCTTGTAGTATTTTGGGAGCAAAAAAATTATTTTC-3'
Protein context (NP_001420.2, residues 2399-2414): NSDLNSNLSQ[Ser2409Arg]TLDIH

ClinVar aggregate classification (germline): Uncertain significance. Review status: criteria provided, multiple submitters, no conflicts (2 of 4 stars). 2 submissions from 2 submitters: Uncertain significance (2). Last evaluated 2024-08-22.

Conditions:
Rubinstein-Taybi syndrome due to EP300 haploinsufficiency. Also called: RUBINSTEIN-TAYBI SYNDROME 2; EP300-Related Rubinstein-Taybi Syndrome. Identifiers: Orphanet 353284, Orphanet 783, MedGen C3150941, MONDO:0013364, OMIM 613684.

Submissions (2):

Labcorp Genetics (formerly Invitae), Labcorp
Classification: Uncertain significance for Rubinstein-Taybi syndrome due to EP300 haploinsufficiency. Last evaluated: 2024-08-22. Review status: criteria provided, single submitter. Criteria: Invitae Variant Classification Sherloc (09022015). Collection method: clinical testing. Allele origin: germline.
Comment: This sequence change replaces serine, which is neutral and polar, with arginine, which is basic and polar, at codon 2409 of the EP300 protein (p.Ser2409Arg). This variant is not present in population databases (gnomAD no frequency). This variant has not been reported in the literature in individuals affected with EP300-related conditions. ClinVar contains an entry for this variant (Variation ID: 1342527). Invitae Evidence Modeling of protein sequence and biophysical properties (such as structural, functional, and spatial information, amino acid conservation, physicochemical variation, residue mobility, and thermodynamic stability) indicates that this missense variant is not expected to disrupt EP300 protein function with a negative predictive value of 95%. In summary, the available evidence is currently insufficient to determine the role of this variant in disease. Therefore, it has been classified as a Variant of Uncertain Significance.

New York Genome Center
Classification: Uncertain significance for Rubinstein-Taybi syndrome due to EP300 haploinsufficiency. Last evaluated: 2021-04-16. Review status: criteria provided, single submitter. Criteria: NYGC Assertion Criteria 2020. Collection method: clinical testing. Allele origin: inherited. Observed: 1 heterozygote. Study: CSER-NYCKidSeq.
Comment: The inherited heterozygous c.7225A>C (p.Ser2409Arg) variant identified in the EP300 gene has not been reported in affected individuals in the literature. The variant is absent from the gnomAD(v3) database suggesting it is not a common benign variant in the populations represented in that database. The variant affects a moderately conserved residue and is predicted deleterious by multiple in silico prediction tools. Based on the available evidence, the inherited heterozygous c.7225A>C (p.Ser2409Arg) variant identified in the EP300 gene is reported as a variant of uncertain significance.